The following is an entry in ClinVar:

ClinVar aggregate classification (germline): Likely benign. Review status: criteria provided, multiple submitters, no conflicts (2 of 4 stars). 4 submissions from 4 submitters: Likely benign (3). 1 of the submissions does not count toward it. Last evaluated 2026-01-06.

Conditions:
TH-deficient dopa-responsive dystonia. Also called: Segawa syndrome, autosomal recessive; Tyrosine Hydroxylase-Deficient Dopa-Responsive Dystonia; DYT-TH. Identifiers: Orphanet 101150, MedGen C2673535, MONDO:0011551, OMIM 605407.

Allele frequency attached by ClinVar (database versions not stated): gnomAD exomes 0.00007 and 0.00010; gnomAD 0.00011 and 0.00013; TOPMed 0.00014; ExAC 0.00017.
gnomAD v4.1: 127 of 1,605,502 alleles (0.0079%); highest among the groups gnomAD compares: Middle Eastern, 0.15%; 1 homozygote.

Submissions (4):

Labcorp Genetics (formerly Invitae), Labcorp
Classification: Likely benign for TH-deficient dopa-responsive dystonia. Last evaluated: 2026-01-06. Review status: criteria provided, single submitter. Criteria: Invitae Variant Classification Sherloc (09022015). Collection method: clinical testing. Allele origin: germline.

CeGaT Center for Human Genetics Tuebingen
Classification: Likely benign. Last evaluated: 2025-07-01. Review status: criteria provided, single submitter. Criteria: CeGaT Center For Human Genetics Tuebingen Variant Classification Criteria Version 2. Collection method: clinical testing. Allele origin: germline. Affected: yes. Observed: 2 variant alleles.
Comment: TH: BP4, BP7

Blueprint Genetics
Classification: Likely benign. Last evaluated: 2024-07-05. Review status: criteria provided, single submitter. Criteria: ACMG Guidelines, 2015. Collection method: clinical testing. Allele origin: germline.

Natera, Inc.
Classification: Benign for Autosomal recessive Segawa syndrome. Last evaluated: 2020-06-02. Review status: no assertion criteria provided. Collection method: clinical testing. Allele origin: germline. Not counted in ClinVar's aggregate classification.

NM_000360.4(TH):c.91-828C>T

Gene: TH (tyrosine hydroxylase; minus strand). Cytogenetic location: 11p15.5.
Variant type: single nucleotide variant.
Coding change: c.91-828C>T on transcript NM_000360.4 (MANE Select); 828 bases into the intron before coding-DNA position 91, C replaced by T.
Molecular consequence: intron variant. On other transcripts: synonymous variant (2).
Genome position (GRCh38, 1-based): chr11:2,170,699, G>A on the plus strand (C>T on the coding strand, the complement: TH is on the minus strand). VCF-style: chr11-2170699-G-A. GRCh37 (hg19) VCF-style: chr11-2191929-G-A.
Other names: c.174C>T, p.Pro58= (NM_199292.3); c.162C>T, p.Pro54= (NM_199293.3).
Identifiers: ClinVar variation 695989 (VCV000695989.36), dbSNP rs764689284, ClinGen allele CA5818813.